The following is an entry in ClinVar:

ClinVar aggregate classification (germline): Uncertain significance. Review status: criteria provided, multiple submitters, no conflicts (2 of 4 stars). 3 submissions from 3 submitters: Uncertain significance (3). Last evaluated 2024-04-02.

Conditions:
Hereditary cancer-predisposing syndrome. Also called: Neoplastic Syndromes, Hereditary; Hereditary Cancer Syndrome; Tumor predisposition; Hereditary neoplastic syndrome. Identifiers: Orphanet 140162, MedGen C0027672, MeSH D009386, MONDO:0015356.
Familial cancer of breast. Also called: Hereditary breast cancer; hereditary breast carcinoma; BREAST CANCER, FAMILIAL. Identifiers: Orphanet 227535, MedGen C0346153, MONDO:0016419, OMIM 114480. Disease mechanism: loss of function.

Allele frequency attached by ClinVar (database versions not stated): gnomAD exomes below 0.00001; TOPMed below 0.00001; ExAC 0.00001; gnomAD 0.00001; ESP Exome Variant Server 0.00008.
gnomAD v4.1: 1 of 1,614,018 alleles (0.000062%); highest among the groups gnomAD compares: African/African-American, 0.0013%; no homozygotes.

Submissions (3):

Labcorp Genetics (formerly Invitae), Labcorp
Classification: Uncertain significance for Familial cancer of breast. Last evaluated: 2024-04-02. Review status: criteria provided, single submitter. Criteria: Invitae Variant Classification Sherloc (09022015). Collection method: clinical testing. Allele origin: germline.
Comment: This sequence change replaces threonine, which is neutral and polar, with isoleucine, which is neutral and non-polar, at codon 197 of the PALB2 protein (p.Thr197Ile). This variant is present in population databases (rs367945485, gnomAD 0.007%). This variant has not been reported in the literature in individuals affected with PALB2-related conditions. ClinVar contains an entry for this variant (Variation ID: 582007). Algorithms developed to predict the effect of missense changes on protein structure and function output the following: SIFT: "Not Available"; PolyPhen-2: "Benign"; Align-GVGD: "Not Available". The isoleucine amino acid residue is found in multiple mammalian species, which suggests that this missense change does not adversely affect protein function. In summary, the available evidence is currently insufficient to determine the role of this variant in disease. Therefore, it has been classified as a Variant of Uncertain Significance.

Baylor Genetics
Classification: Uncertain significance for Familial cancer of breast. Last evaluated: 2023-10-26. Review status: criteria provided, single submitter. Criteria: ACMG Guidelines, 2015. Collection method: clinical testing. Allele origin: unknown.

Ambry Genetics
Classification: Uncertain significance for Hereditary cancer-predisposing syndrome. Last evaluated: 2022-10-27. Review status: criteria provided, single submitter. Criteria: Ambry Variant Classification Scheme 2023. Collection method: clinical testing. Allele origin: germline.
Comment: The p.T197I variant (also known as c.590C>T), located in coding exon 4 of the PALB2 gene, results from a C to T substitution at nucleotide position 590. The threonine at codon 197 is replaced by isoleucine, an amino acid with similar properties. This amino acid position is conserved. In addition, this alteration is predicted to be tolerated by in silico analysis. Since supporting evidence is limited at this time, the clinical significance of this alteration remains unclear.

NM_024675.4(PALB2):c.590C>T (p.Thr197Ile)

Gene: PALB2 (partner and localizer of BRCA2; minus strand). Cytogenetic location: 16p12.2.
Variant type: single nucleotide variant.
Coding change: c.590C>T on transcript NM_024675.4 (MANE Select); coding-DNA position 590, C replaced by T.
Protein change: p.Thr197Ile; replaces threonine 197 with isoleucine.
Molecular consequence: missense variant.
Genome position (GRCh38, 1-based): chr16:23,635,956, G>A on the plus strand (C>T on the coding strand, the complement: PALB2 is on the minus strand). VCF-style: chr16-23635956-G-A. GRCh37 (hg19) VCF-style: chr16-23647277-G-A.
Other names: short protein forms T197I.
Identifiers: ClinVar variation 582007 (VCV000582007.13), dbSNP rs367945485, ClinGen allele CA7963777.